The following is an entry in ClinVar:

NM_000368.5(TSC1):c.759T>C (p.His253=)

Gene: TSC1 (TSC complex subunit 1; minus strand). Cytogenetic location: 9q34.13.
Variant type: single nucleotide variant.
Coding change: c.759T>C on transcript NM_000368.5 (MANE Select); coding-DNA position 759, T replaced by C.
Protein change: p.His253=; no amino-acid change (histidine 253 retained).
Molecular consequence: synonymous variant. On other transcripts: 5 prime UTR variant (5), non-coding transcript variant (5).
Genome position (GRCh38, 1-based): chr9:132,912,436, A>G on the plus strand (T>C on the coding strand, the complement: TSC1 is on the minus strand). VCF-style: chr9-132912436-A-G. GRCh37 (hg19) VCF-style: chr9-135787823-A-G.
Other names: c.759T>C, p.His253= (NM_001162426.2, NM_001406592.1, NM_001406593.1 and 16 more transcripts); c.606T>C, p.His202= (NM_001162427.2, NM_001406610.1, NM_001406611.1 and 2 more transcripts); c.396T>C, p.His132= (NM_001362177.2, NM_001406614.1, NM_001406615.1 and 10 more transcripts); c.-193T>C (NM_001406626.1, NM_001406627.1, NM_001406628.1); c.-335T>C (NM_001406629.1, NM_001406630.1).
Identifiers: ClinVar variation 1759707 (VCV001759707.4), dbSNP rs748775797, ClinGen allele CA038826.
Genomic context (GRCh38, chr9:132,912,436, plus strand): 5'-ATCTTCATATGAGGCTTCTGTGGGATCCAGAGAGATTTTGGCACACTCGATCACAACATC[A>G]TGAGTTTCTAATCTCTTCCACCTGTAAAATGCAATGAAAGTCAAGAAATGCAAACTGTAA-3'
Protein context (NP_000359.1, residues 243-263): DPRRWKRLET[His253=]DVVIECAKIS

ClinVar aggregate classification (germline): Likely benign. Review status: criteria provided, multiple submitters, no conflicts (2 of 4 stars). 3 submissions from 3 submitters: Likely benign (3). Last evaluated 2025-03-09.

Conditions:
Hereditary cancer-predisposing syndrome. Also called: Neoplastic Syndromes, Hereditary; Tumor predisposition; Hereditary neoplastic syndrome; Hereditary Cancer Syndrome. Identifiers: Orphanet 140162, MedGen C0027672, MeSH D009386, MONDO:0015356.
Tuberous sclerosis syndrome (TSC). Also called: Tuberous Sclerosis Complex; Tuberous sclerosis. Identifiers: Orphanet 805, MedGen C0041341, MONDO:0001734.
Tuberous sclerosis 1 (TSC1). Identifiers: Orphanet 805, MedGen C1854465, MONDO:0008612, OMIM 191100.

Allele frequency attached by ClinVar (database versions not stated): ExAC 0.00001.

Submissions (3):

Labcorp Genetics (formerly Invitae), Labcorp
Classification: Likely benign for Tuberous sclerosis 1. Last evaluated: 2025-03-09. Review status: criteria provided, single submitter. Criteria: Invitae Variant Classification Sherloc (09022015). Collection method: clinical testing. Allele origin: germline.

All of Us Research Program, National Institutes of Health
Classification: Likely benign for Tuberous sclerosis syndrome. Last evaluated: 2023-06-08. Review status: criteria provided, single submitter. Criteria: ACMG Guidelines, 2015. Collection method: clinical testing. Allele origin: germline. Inheritance: Autosomal dominant inheritance. Observed: 1 variant allele, 1 heterozygote.
Comment: This study involves interpretation of variants in research participants for the purpose of population health screening. Participant phenotype was not available at the time of variant classification. Additional details can be found in publication PMID: 35346344, PMCID: PMC8962531

Ambry Genetics
Classification: Likely benign for Hereditary cancer-predisposing syndrome. Last evaluated: 2022-06-28. Review status: criteria provided, single submitter. Criteria: Ambry Variant Classification Scheme 2023. Collection method: clinical testing. Allele origin: germline.